The following is an entry in ClinVar:

NM_006030.4(CACNA2D2):c.1672G>T (p.Val558Leu)

Gene: CACNA2D2 (calcium voltage-gated channel auxiliary subunit alpha2delta 2; minus strand). Cytogenetic location: 3p21.31.
Variant type: single nucleotide variant.
Coding change: c.1672G>T on transcript NM_006030.4 (MANE Select); coding-DNA position 1672, G replaced by T.
Protein change: p.Val558Leu; replaces valine 558 with leucine.
Molecular consequence: missense variant.
Genome position (GRCh38, 1-based): chr3:50,376,143, C>A on the plus strand (G>T on the coding strand, the complement: CACNA2D2 is on the minus strand). VCF-style: chr3-50376143-C-A. GRCh37 (hg19) VCF-style: chr3-50413574-C-A.
Other names: c.1672G>T, p.Val558Leu (NM_001005505.3, NM_001174051.3); c.1465G>T, p.Val489Leu (NM_001291101.1); short protein forms V489L, V558L.
Identifiers: ClinVar variation 936618 (VCV000936618.7), dbSNP rs763772019, ClinGen allele CA352925467.
Genomic context (GRCh38, chr3:50,376,143, plus strand): 5'-GCCCACCCTCCAGGCCACCCGTCTGGCTCACCTGGGGCTTGAGATTGGGGTGCAGCAACA[C>A]GTAGCCGTTCAGGTCAATGGCAAACACATAGCCGTTGGCTCCAAGCTGGAGGCACAGATT-3'
Protein context (NP_006021.2, residues 548-568): YVFAIDLNGY[Val558Leu]LLHPNLKPQT

ClinVar aggregate classification (germline): Uncertain significance (1 of 4 stars; one submission).

Conditions:
Early-infantile DEE. Also called: Early infantile epileptic encephalopathy; Ohtahara syndrome; Early infantile epileptic encephalopathy with suppression bursts. Identifiers: Orphanet 1934, MedGen C0393706, MONDO:0800491.

gnomAD v4.1: 4 of 1,613,420 alleles (0.00025%); highest among the groups gnomAD compares: African/African-American, 0.004%; no homozygotes.

Submission:

Labcorp Genetics (formerly Invitae), Labcorp
Classification: Uncertain significance for Early-infantile DEE. Last evaluated: 2019-05-29. Review status: criteria provided, single submitter. Criteria: Invitae Variant Classification Sherloc (09022015). Collection method: clinical testing. Allele origin: germline.
Comment: This variant has not been reported in the literature in individuals with CACNA2D2-related disease. In summary, the available evidence is currently insufficient to determine the role of this variant in disease. Therefore, it has been classified as a Variant of Uncertain Significance. Algorithms developed to predict the effect of missense changes on protein structure and function do not agree on the potential impact of this missense change (SIFT: "Deleterious"; PolyPhen-2: "Benign"; Align-GVGD: "Class C0"). This variant is not present in population databases (ExAC no frequency). This sequence change replaces valine with leucine at codon 558 of the CACNA2D2 protein (p.Val558Leu). The valine residue is highly conserved and there is a small physicochemical difference between valine and leucine.